The following is an entry in ClinVar:

NM_032119.4(ADGRV1):c.8679G>C (p.Leu2893=)

Gene: ADGRV1 (adhesion G protein-coupled receptor V1; plus strand). Cytogenetic location: 5q14.3.
Variant type: single nucleotide variant.
Coding change: c.8679G>C on transcript NM_032119.4 (MANE Select); coding-DNA position 8679, G replaced by C.
Protein change: p.Leu2893=; no amino-acid change (leucine 2893 retained).
Molecular consequence: synonymous variant. On other transcripts: non-coding transcript variant (1).
Genome position (GRCh38, 1-based): chr5:90,706,343, G>C. VCF-style: chr5-90706343-G-C. GRCh37 (hg19) VCF-style: chr5-90002160-G-C.
Identifiers: ClinVar variation 1998887 (VCV001998887.1), dbSNP rs2531093503, ClinGen allele CA445408739.

ClinVar aggregate classification (germline): Uncertain significance (1 of 4 stars; one submission).

Allele frequency attached by ClinVar (database versions not stated): gnomAD exomes below 0.00001.
gnomAD v4.1: 1 of 1,612,056 alleles (0.000062%); highest among the groups gnomAD compares: Non-Finnish European, 0.000085%; no homozygotes.

Submission:

Labcorp Genetics (formerly Invitae), Labcorp
Classification: Uncertain significance. Last evaluated: 2022-08-09. Review status: criteria provided, single submitter. Criteria: Invitae Variant Classification Sherloc (09022015). Collection method: clinical testing. Allele origin: germline.
Comment: This sequence change affects codon 2893 of the ADGRV1 mRNA. It is a 'silent' change, meaning that it does not change the encoded amino acid sequence of the ADGRV1 protein. This variant is not present in population databases (gnomAD no frequency). This variant has not been reported in the literature in individuals affected with ADGRV1-related conditions. Algorithms developed to predict the effect of sequence changes on RNA splicing suggest that this variant may create or strengthen a splice site. In summary, the available evidence is currently insufficient to determine the role of this variant in disease. Therefore, it has been classified as a Variant of Uncertain Significance.